The following is an entry in ClinVar:

NM_001904.4(CTNNB1):c.211dup (p.Ser71fs)

Genes: CTNNB1 (catenin beta 1; plus strand), LOC126806658 (BRD4-independent group 4 enhancer GRCh37_chr3:41265899-41267098; plus strand). Cytogenetic location: 3p22.1.
Variant type: Duplication.
Coding change: c.211dup on transcript NM_001904.4 (MANE Select); coding-DNA position 211, one base duplicated (T; older notation c.211dupT).
Protein change: p.Ser71fs; shifts the reading frame from serine 71.
Molecular consequence: frameshift variant.
Genome position (GRCh38, 1-based): chr3:41,224,723, T duplicated; the last of 4 consecutive T bases (chr3:41,224,720-41,224,723); duplicating any one gives the same sequence. VCF-style (leftmost placement, unchanged base first): chr3-41224719-A-AT. GRCh37 (hg19) VCF-style: chr3-41266210-A-AT.
Other names: c.211dupT (NM_001904.3); c.211dup, p.Ser71fs (NM_001098209.2, NM_001098210.2); c.190dup, p.Ser64fs (NM_001330729.2); short protein forms S64fs, S71fs.
Identifiers: ClinVar variation 817214 (VCV000817214.4), dbSNP rs1575315766, ClinGen allele CA915942437.

ClinVar aggregate classification (germline): Pathogenic (1 of 4 stars; one submission).

Conditions:
Severe intellectual disability-progressive spastic diplegia syndrome (NEDSDV). Also called: NEURODEVELOPMENTAL DISORDER WITH SPASTIC DIPLEGIA AND VISUAL DEFECTS; CTNNB1 Neurodevelopmental Disorder. Identifiers: Orphanet 404473, MedGen C3554449, MONDO:0014035, OMIM 615075.

Submission:

GeneDx
Classification: Pathogenic. Last evaluated: 2020-09-23. Review status: criteria provided, single submitter. Criteria: GeneDx Variant Classification Process June 2021. Collection method: clinical testing. Allele origin: germline. Affected: yes.
Comment: Frameshift variant predicted to result in protein truncation or nonsense mediated decay in a gene for which loss-of-function is a known mechanism of disease; Not observed in large population cohorts (Lek et al., 2016); Has not been previously published as pathogenic or benign to our knowledge